The following is an entry in ClinVar:

NM_000368.5(TSC1):c.3196A>C (p.Thr1066Pro)

Gene: TSC1 (TSC complex subunit 1; minus strand). Cytogenetic location: 9q34.13.
Variant type: single nucleotide variant.
Coding change: c.3196A>C on transcript NM_000368.5 (MANE Select); coding-DNA position 3196, A replaced by C.
Protein change: p.Thr1066Pro; replaces threonine 1066 with proline.
Molecular consequence: missense variant.
Genome position (GRCh38, 1-based): chr9:132,896,534, T>G on the plus strand (A>C on the coding strand, the complement: TSC1 is on the minus strand). VCF-style: chr9-132896534-T-G. GRCh37 (hg19) VCF-style: chr9-135771921-T-G.
Other names: c.3151A>C, p.Thr1051Pro (NM_001406608.1, NM_001406609.1); c.3043A>C, p.Thr1015Pro (NM_001406610.1, NM_001162427.2); c.3040A>C, p.Thr1014Pro (NM_001406611.1, NM_001406612.1); c.2998A>C, p.Thr1000Pro (NM_001406613.1); c.2833A>C, p.Thr945Pro (NM_001406614.1, NM_001406615.1, NM_001406616.1 and 4 more transcripts); c.3193A>C, p.Thr1065Pro (NM_001162426.2, NM_001406597.1, NM_001406598.1 and 2 more transcripts); c.3196A>C, p.Thr1066Pro (NM_001406592.1, NM_001406593.1, NM_001406594.1 and 2 more transcripts); c.3181A>C, p.Thr1061Pro (NM_001406601.1, NM_001406602.1); and 8 more; short protein forms T1000P, T1052P, T715P, T944P, T1014P, T1060P, T1065P, T930P.
Identifiers: ClinVar variation 1728712 (VCV001728712.6), dbSNP rs2131602296, ClinGen allele CA375367058.

ClinVar aggregate classification (germline): Conflicting classifications of pathogenicity. Review status: criteria provided, conflicting classifications (1 of 4 stars). 2 submissions from 2 submitters: Uncertain significance (1); Likely benign (1). Last evaluated 2026-07-30.

Conditions:
Tuberous sclerosis 1 (TSC1). Identifiers: Orphanet 805, MedGen C1854465, MONDO:0008612, OMIM 191100.
Hereditary cancer-predisposing syndrome. Also called: Hereditary Cancer Syndrome; Hereditary neoplastic syndrome; Neoplastic Syndromes, Hereditary; Tumor predisposition. Identifiers: Orphanet 140162, MedGen C0027672, MeSH D009386, MONDO:0015356.

Submissions (2):

Ambry Genetics
Classification: Likely benign for Hereditary cancer-predisposing syndrome. Last evaluated: 2026-07-30. Review status: criteria provided, single submitter. Criteria: Ambry Variant Classification Scheme 2023. Collection method: clinical testing. Allele origin: germline.

Labcorp Genetics (formerly Invitae), Labcorp
Classification: Uncertain significance for Tuberous sclerosis 1. Last evaluated: 2022-11-25. Review status: criteria provided, single submitter. Criteria: Invitae Variant Classification Sherloc (09022015). Collection method: clinical testing. Allele origin: germline.
Comment: This sequence change replaces threonine, which is neutral and polar, with proline, which is neutral and non-polar, at codon 1066 of the TSC1 protein (p.Thr1066Pro). This variant is not present in population databases (gnomAD no frequency). This variant has not been reported in the literature in individuals affected with TSC1-related conditions. Algorithms developed to predict the effect of missense changes on protein structure and function (SIFT, PolyPhen-2, Align-GVGD) all suggest that this variant is likely to be tolerated. In summary, the available evidence is currently insufficient to determine the role of this variant in disease. Therefore, it has been classified as a Variant of Uncertain Significance.